The following is an entry in ClinVar:

NM_170707.4(LMNA):c.76A>C (p.Ile26Leu)

Genes: LMNA (lamin A/C; plus strand), LOC129931597 (ATAC-STARR-seq lymphoblastoid silent region 1421; plus strand). Cytogenetic location: 1q22.
Variant type: single nucleotide variant.
Coding change: c.76A>C on transcript NM_170707.4 (MANE Select); coding-DNA position 76, A replaced by C.
Protein change: p.Ile26Leu; replaces isoleucine 26 with leucine.
Molecular consequence: missense variant. On other transcripts: 5 prime UTR variant (8), intron variant (2).
Genome position (GRCh38, 1-based): chr1:156,114,994, A>C. VCF-style: chr1-156114994-A-C. GRCh37 (hg19) VCF-style: chr1-156084785-A-C.
Other names: c.76A>C, p.Ile26Leu (NM_001282625.2, NM_001282626.2, NM_001406983.1 and 6 more transcripts); c.-348A>C (NM_001406986.1); c.-326A>C (NM_001406990.1, NM_001406995.1, NM_001407002.1); c.-589A>C (NM_001406994.1, NM_001407000.1); c.-769A>C (NM_001406999.1); c.-432A>C (NM_001407001.1); c.-203+8171A>C (NM_001406993.1, NM_001407003.1); short protein forms I26L.
Identifiers: ClinVar variation 2773533 (VCV002773533.2), dbSNP rs1302425397, ClinGen allele CA342807269.

ClinVar aggregate classification (germline): Uncertain significance (1 of 4 stars; one submission).

Conditions:
Cardiomyopathy (CMYO). Also called: Cardiomyopathies. Identifiers: Orphanet 167848, MedGen C0878544, MONDO:0004994, HP:0001638. Inheritance: Various modes of inheritance.

Allele frequency attached by ClinVar (database versions not stated): gnomAD exomes below 0.00001.
gnomAD v4.1: 3 of 1,599,710 alleles (0.00019%); highest among the groups gnomAD compares: Non-Finnish European, 0.00026%; no homozygotes.

Submission:

Color Diagnostics, LLC DBA Color Health
Classification: Uncertain significance for Cardiomyopathy. Last evaluated: 2022-08-01. Review status: criteria provided, single submitter. Criteria: ACMG Guidelines, 2015. Collection method: clinical testing. Allele origin: germline.
Comment: This missense variant replaces isoleucine with leucine at codon 26 of the LMNA protein. Computational prediction suggests that this variant may not impact protein structure and function (internally defined REVEL score threshold <= 0.5, PMID: 27666373). To our knowledge, functional studies have not been reported for this variant. This variant has not been reported in individuals affected with cardiovascular disorders in the literature. This variant has been identified in 1/222974 chromosomes in the general population by the Genome Aggregation Database (gnomAD). The available evidence is insufficient to determine the role of this variant in disease conclusively. Therefore, this variant is classified as a Variant of Uncertain Significance.